The following is an entry in ClinVar:

NM_020458.4(TTC7A):c.829C>G (p.Gln277Glu)

Gene: TTC7A (tetratricopeptide repeat domain 7A; plus strand). Cytogenetic location: 2p21.
Variant type: single nucleotide variant.
Coding change: c.829C>G on transcript NM_020458.4 (MANE Select); coding-DNA position 829, C replaced by G.
Protein change: p.Gln277Glu; replaces glutamine 277 with glutamic acid.
Molecular consequence: missense variant. On other transcripts: 5 prime UTR variant (1).
Genome position (GRCh38, 1-based): chr2:46,993,514, C>G. VCF-style: chr2-46993514-C-G. GRCh37 (hg19) VCF-style: chr2-47220653-C-G.
Other names: c.829C>G, p.Gln277Glu (NM_001288951.2); c.727C>G, p.Gln243Glu (NM_001288953.2); c.-76C>G (NM_001288955.2); short protein forms Q277E, Q243E.
Identifiers: ClinVar variation 841006 (VCV000841006.10), dbSNP rs587777547, ClinGen allele CA346713253.
Genomic context (GRCh38, chr2:46,993,514, plus strand): 5'-ATCGTGAAGGGCATGAGAGAGCTCCGGGAGGTGCTGCGGACTGTGGAGACCAAAGCAACT[C>G]AGAACTTCAAAGTGGTAATGTGGGGTGCTGGCAGTGCTGGCTTATTTAGGAGTCAGCTTT-3'
Protein context (NP_065191.2, residues 267-287): VLRTVETKAT[Gln277Glu]NFKVMAAKHL

ClinVar aggregate classification (germline): Uncertain significance (1 of 4 stars; one submission).

Conditions:
Multiple gastrointestinal atresias. Also called: Multiple intestinal atresia; FAMILIAL INTESTINAL POLYATRESIA SYNDROME. Identifiers: Orphanet 2300, MedGen C0220744, MONDO:0009465.

gnomAD v4.1: 2 of 1,614,070 alleles (0.00012%); highest among the groups gnomAD compares: Non-Finnish European, 0.00017%; no homozygotes.

Submission:

Labcorp Genetics (formerly Invitae), Labcorp
Classification: Uncertain significance for Multiple gastrointestinal atresias. Last evaluated: 2019-11-01. Review status: criteria provided, single submitter. Criteria: Invitae Variant Classification Sherloc (09022015). Collection method: clinical testing. Allele origin: germline.
Comment: This variant is not present in population databases (ExAC no frequency). In summary, the available evidence is currently insufficient to determine the role of this variant in disease. Therefore, it has been classified as a Variant of Uncertain Significance. Algorithms developed to predict the effect of missense changes on protein structure and function are either unavailable or do not agree on the potential impact of this missense change (SIFT: "Tolerated"; PolyPhen-2: "Probably Damaging"; Align-GVGD: "Class C0"). This variant has not been reported in the literature in individuals with TTC7A-related conditions. This sequence change replaces glutamine with glutamic acid at codon 277 of the TTC7A protein (p.Gln277Glu). The glutamine residue is highly conserved and there is a small physicochemical difference between glutamine and glutamic acid.